The following is an entry in ClinVar:

NM_152519.4(KANSL1L):c.605C>T (p.Pro202Leu)

Gene: KANSL1L (KAT8 regulatory NSL complex subunit 1 like; minus strand). Cytogenetic location: 2q34.
Variant type: single nucleotide variant.
Coding change: c.605C>T on transcript NM_152519.4 (MANE Select); coding-DNA position 605, C replaced by T.
Protein change: p.Pro202Leu; replaces proline 202 with leucine.
Molecular consequence: missense variant.
Genome position (GRCh38, 1-based): chr2:210,153,978, G>A on the plus strand (C>T on the coding strand, the complement: KANSL1L is on the minus strand). VCF-style: chr2-210153978-G-A. GRCh37 (hg19) VCF-style: chr2-211018702-G-A.
Other names: c.605C>T, p.Pro202Leu (NM_001307976.2); short protein forms P202L.
Identifiers: ClinVar variation 2651859 (VCV002651859.24), dbSNP rs148825055, ClinGen allele CA2084651.

ClinVar aggregate classification (germline): Likely benign (1 of 4 stars; one submission).

Allele frequency attached by ClinVar (database versions not stated): 1000 Genomes Project 30x 0.00016; 1000 Genomes Project 0.00020; ESP Exome Variant Server 0.00284; ExAC 0.00287; TOPMed 0.00325.
gnomAD v4.1: 6,088 of 1,613,578 alleles (0.38%); highest among the groups gnomAD compares: Middle Eastern, 1.1%; 23 homozygotes.

Submission:

CeGaT Center for Human Genetics Tuebingen
Classification: Likely benign. Last evaluated: 2023-01-01. Review status: criteria provided, single submitter. Criteria: CeGaT Center For Human Genetics Tuebingen Variant Classification Criteria Version 2. Collection method: clinical testing. Allele origin: germline. Affected: yes. Observed: 1 variant allele.
Comment: KANSL1L: BP4, BS2